The following is an entry in ClinVar:

ClinVar aggregate classification (germline): Uncertain significance (1 of 4 stars; one submission).

Conditions:
Autosomal recessive limb-girdle muscular dystrophy type 2K. Also called: MUSCULAR DYSTROPHY-DYSTROGLYCANOPATHY (LIMB-GIRDLE), TYPE C, 1; MUSCULAR DYSTROPHY, LIMB-GIRDLE, TYPE 2K. Identifiers: Orphanet 86812, MedGen C1836373, MONDO:0012248, OMIM 609308.
Walker-Warburg congenital muscular dystrophy. Also called: Muscular dystrophy-dystroglycanopathy, type A; Walker-Warburg syndrome. Identifiers: Orphanet 899, MedGen C0265221, MONDO:0000171.
Muscular dystrophy-dystroglycanopathy (congenital with impaired intellectual development), type B, 1. Also called: Muscular dystrophy-dystroglycanopathy (congenital with intellectual disability), type B1; MUSCULAR DYSTROPHY, CONGENITAL, POMT1-RELATED. Identifiers: MedGen C5436962, MONDO:0013159, OMIM 613155.

Allele frequency attached by ClinVar (database versions not stated): gnomAD exomes below 0.00001.
gnomAD v4.1: 1 of 1,551,156 alleles (0.000064%); highest among the groups gnomAD compares: Admixed American, 0.002%; no homozygotes.

Submission:

Labcorp Genetics (formerly Invitae), Labcorp
Classification: Uncertain significance for Muscular dystrophy-dystroglycanopathy (congenital with impaired intellectual development), type B, 1; Walker-Warburg congenital muscular dystrophy; Autosomal recessive limb-girdle muscular dystrophy type 2K. Last evaluated: 2025-04-21. Review status: criteria provided, single submitter. Criteria: Invitae Variant Classification Sherloc (09022015). Collection method: clinical testing. Allele origin: germline.
Comment: This sequence change replaces serine, which is neutral and polar, with glycine, which is neutral and non-polar, at codon 541 of the POMT1 protein (p.Ser541Gly). This variant is not present in population databases (gnomAD no frequency). This variant has not been reported in the literature in individuals affected with POMT1-related conditions. ClinVar contains an entry for this variant (Variation ID: 575648). Invitae Evidence Modeling of protein sequence and biophysical properties (such as structural, functional, and spatial information, amino acid conservation, physicochemical variation, residue mobility, and thermodynamic stability) indicates that this missense variant is not expected to disrupt POMT1 protein function with a negative predictive value of 80%. In summary, the available evidence is currently insufficient to determine the role of this variant in disease. Therefore, it has been classified as a Variant of Uncertain Significance.

NM_001077365.2(POMT1):c.1555A>G (p.Ser519Gly)

Gene: POMT1 (protein O-mannosyltransferase 1; plus strand). Cytogenetic location: 9q34.13.
Variant type: single nucleotide variant.
Coding change: c.1555A>G on transcript NM_001077365.2 (MANE Select); coding-DNA position 1555, A replaced by G.
Protein change: p.Ser519Gly; replaces serine 519 with glycine.
Molecular consequence: missense variant. On other transcripts: non-coding transcript variant (10), intron variant (1).
Genome position (GRCh38, 1-based): chr9:131,519,457, A>G. VCF-style: chr9-131519457-A-G. GRCh37 (hg19) VCF-style: chr9-134394844-A-G.
Other names: c.1393A>G, p.Ser465Gly (NM_001077366.2, NM_001353194.2); c.1555A>G, p.Ser519Gly (NM_001136113.2); c.1204A>G, p.Ser402Gly (NM_001136114.2, NM_001374691.1, NM_001374692.1 and 2 more transcripts); c.1621A>G, p.Ser541Gly (NM_001353193.2, NM_007171.4); c.1165A>G, p.Ser389Gly (NM_001374695.1); c.1465A>G, p.Ser489Gly (NM_001353196.2); c.1459A>G, p.Ser487Gly (NM_001353197.2, NM_001353198.2); c.1270A>G, p.Ser424Gly (NM_001353199.2); and 3 more; short protein forms S541G, S424G, S519G, S367G, S487G, S489G, S402G, S465G.
Identifiers: ClinVar variation 575648 (VCV000575648.9), dbSNP rs1564381465, ClinGen allele CA375312905.